The following is an entry in ClinVar:

NM_003114.5(SPAG1):c.2339T>C (p.Leu780Pro)

Gene: SPAG1 (sperm associated antigen 1; plus strand). Cytogenetic location: 8q22.2.
Variant type: single nucleotide variant.
Coding change: c.2339T>C on transcript NM_003114.5 (MANE Select); coding-DNA position 2339, T replaced by C.
Protein change: p.Leu780Pro; replaces leucine 780 with proline.
Molecular consequence: missense variant.
Genome position (GRCh38, 1-based): chr8:100,240,461, T>C. VCF-style: chr8-100240461-T-C. GRCh37 (hg19) VCF-style: chr8-101252689-T-C.
Other names: c.2339T>C, p.Leu780Pro (NM_001374321.1, NM_172218.3); short protein forms L780P.
Identifiers: ClinVar variation 1444209 (VCV001444209.6), dbSNP rs755897469, ClinGen allele CA371817779.

ClinVar aggregate classification (germline): Uncertain significance (1 of 4 stars; one submission).

Conditions:
Primary ciliary dyskinesia 28. Also called: CILIARY DYSKINESIA, PRIMARY, 28, WITH OR WITHOUT SITUS INVERSUS. Identifiers: Orphanet 244, MedGen C3809706, MONDO:0014216, OMIM 615505.

gnomAD v4.1: 1 of 1,613,976 alleles (0.000062%); highest among the groups gnomAD compares: Admixed American, 0.0017%; no homozygotes.

Submission:

Labcorp Genetics (formerly Invitae), Labcorp
Classification: Uncertain significance for Primary ciliary dyskinesia 28. Last evaluated: 2023-11-28. Review status: criteria provided, single submitter. Criteria: Invitae Variant Classification Sherloc (09022015). Collection method: clinical testing. Allele origin: germline.
Comment: This sequence change replaces leucine, which is neutral and non-polar, with proline, which is neutral and non-polar, at codon 780 of the SPAG1 protein (p.Leu780Pro). This variant is present in population databases (no rsID available, gnomAD 0.003%). This variant has not been reported in the literature in individuals affected with SPAG1-related conditions. ClinVar contains an entry for this variant (Variation ID: 1444209). Advanced modeling of protein sequence and biophysical properties (such as structural, functional, and spatial information, amino acid conservation, physicochemical variation, residue mobility, and thermodynamic stability) performed at Invitae indicates that this missense variant is not expected to disrupt SPAG1 protein function with a negative predictive value of 80%. In summary, the available evidence is currently insufficient to determine the role of this variant in disease. Therefore, it has been classified as a Variant of Uncertain Significance.